The following is an entry in ClinVar:

ClinVar aggregate classification (germline): Uncertain significance. Review status: criteria provided, multiple submitters, no conflicts (2 of 4 stars). 2 submissions from 2 submitters: Uncertain significance (2). Last evaluated 2026-04-27.

Conditions:
OTOA-related disorder. Also called: OTOA-related condition.

gnomAD v4.1: 18 of 1,613,674 alleles (0.0011%); highest among the groups gnomAD compares: Admixed American, 0.0067%; no homozygotes.

Submissions (2):

PreventionGenetics, part of Exact Sciences
Classification: Uncertain significance for OTOA-related condition. Last evaluated: 2026-04-27. Review status: criteria provided, single submitter. Criteria: ACMG Guidelines, 2015. Collection method: clinical testing. Allele origin: germline.
Comment: The OTOA c.2203T>C variant is predicted to result in the amino acid substitution p.Tyr735His. To our knowledge, this variant has not been reported in the literature. This variant is reported in 0.00078% of alleles in individuals of European (Non-Finnish) descent in gnomAD. At this time, the clinical significance of this variant is uncertain due to the absence of conclusive functional and genetic evidence.

Blueprint Genetics
Classification: Uncertain significance. Last evaluated: 2024-10-21. Review status: criteria provided, single submitter. Criteria: ACMG Guidelines, 2015. Collection method: clinical testing. Allele origin: germline.

NM_144672.4(OTOA):c.2203T>C (p.Tyr735His)

Gene: OTOA (otoancorin). Cytogenetic location: 16p12.2.
Variant type: single nucleotide variant.
Coding change: c.2203T>C on transcript NM_144672.4 (MANE Select); coding-DNA position 2203, T replaced by C.
Protein change: p.Tyr735His; replaces tyrosine 735 with histidine.
Molecular consequence: missense variant.
Genome position (GRCh38, 1-based): chr16:21,728,427, T>C. VCF-style: chr16-21728427-T-C. GRCh37 (hg19) VCF-style: chr16-21739748-T-C.
Other names: c.1966T>C, p.Tyr656His (NM_001161683.2); c.1231T>C, p.Tyr411His (NM_170664.3); c.2203T>C (NM_144672.3); short protein forms Y411H, Y735H, Y656H.
Identifiers: ClinVar variation 4928916 (VCV004928916.2).
Genomic context (GRCh38, chr16:21,728,427, plus strand): 5'-GACTGCCCAGACCTCAACCCTGAGCAAAAGGCTGCAGTGAGGCTCAAGCTCCTGGGACAG[T>C]ATGGGTGAGGAGCGGCTGGGTTTGGCTTTTGGTGGTGTGGTATGCTCTGTGGAGGGACAC-3'
Protein context (NP_653273.3, residues 725-745): AAVRLKLLGQ[Tyr735His]GLPQHWTAET